The following is an entry in ClinVar:

NM_152906.7(TANGO2):c.605+259T>C

Gene: TANGO2 (transport and golgi organization 2 homolog; plus strand). Cytogenetic location: 22q11.21.
Variant type: single nucleotide variant.
Coding change: c.605+259T>C on transcript NM_152906.7 (MANE Select); 259 bases into the intron after coding-DNA position 605, T replaced by C.
Molecular consequence: intron variant.
Genome position (GRCh38, 1-based): chr22:20,061,942, T>C. VCF-style: chr22-20061942-T-C. GRCh37 (hg19) VCF-style: chr22-20049465-T-C.
Other names: c.605+259T>C (NM_001283106.3, NM_001322142.2, NM_001283116.3); c.419+259T>C (NM_001322163.2, NM_001283179.3, NM_001322167.2 and 2 more transcripts); c.311+259T>C (NM_001322174.2, NM_001322172.2, NM_001322175.2 and 6 more transcripts); c.501+261T>C (NM_001322160.2); c.728+259T>C (NM_001322143.2, NM_001322141.2, NM_001283129.3); c.542+259T>C (NM_001322145.2, NM_001322147.2); c.503+259T>C (NM_001322146.2, NM_001322148.2); c.603+261T>C (NM_001283154.3, NM_001283148.3); and 6 more.
Identifiers: ClinVar variation 684151 (VCV000684151.1), dbSNP rs2286483, ClinGen allele CA14955842.

ClinVar aggregate classification (germline): Benign (1 of 4 stars; one submission).

Allele frequency attached by ClinVar (database versions not stated): gnomAD 0.13352; TOPMed 0.13361; gnomAD exomes 0.15479; 1000 Genomes Project 30x 0.19457; 1000 Genomes Project 0.20208.
gnomAD v4.1: 68,461 of 471,874 alleles (15%); highest among the groups gnomAD compares: East Asian, 45%; 7,588 homozygotes.

Submission:

GeneDx
Classification: Benign. Last evaluated: 2018-06-19. Review status: criteria provided, single submitter. Criteria: GeneDx Variant Classification (06012015). Collection method: clinical testing. Allele origin: germline. Affected: yes.
Comment: This variant is considered likely benign or benign based on one or more of the following criteria: it is a conservative change, it occurs at a poorly conserved position in the protein, it is predicted to be benign by multiple in silico algorithms, and/or has population frequency not consistent with disease.